The following is an entry in ClinVar:

NM_207122.2(EXT2):c.430A>G (p.Thr144Ala)

Gene: EXT2 (exostosin glycosyltransferase 2; plus strand). Cytogenetic location: 11p11.2.
Variant type: single nucleotide variant.
Coding change: c.430A>G on transcript NM_207122.2 (MANE Select); coding-DNA position 430, A replaced by G.
Protein change: p.Thr144Ala; replaces threonine 144 with alanine.
Molecular consequence: missense variant.
Genome position (GRCh38, 1-based): chr11:44,108,142, A>G. VCF-style: chr11-44108142-A-G. GRCh37 (hg19) VCF-style: chr11-44129692-A-G.
Other names: c.430A>G, p.Thr144Ala (NM_001389628.1, NM_001389630.1, NM_001178083.3); c.529A>G, p.Thr177Ala (NM_000401.3); short protein forms T144A, T177A.
Identifiers: ClinVar variation 2721070 (VCV002721070.3), dbSNP rs751450613, ClinGen allele CA5954885.

ClinVar aggregate classification (germline): Uncertain significance (1 of 4 stars; one submission).

Conditions:
Exostoses, multiple, type 2 (EXT2). Also called: Hereditary Multiple Osteochondromatosis, Type II; EXOSTOSES, MULTIPLE, TYPE II. Identifiers: Orphanet 321, MedGen C1851413, MONDO:0007586, OMIM 133701.

Allele frequency attached by ClinVar (database versions not stated): ExAC 0.00001; gnomAD exomes 0.00001.
gnomAD v4.1: 4 of 1,614,158 alleles (0.00025%); highest among the groups gnomAD compares: South Asian, 0.0044%; no homozygotes.

Submission:

Labcorp Genetics (formerly Invitae), Labcorp
Classification: Uncertain significance for Exostoses, multiple, type 2. Last evaluated: 2023-03-04. Review status: criteria provided, single submitter. Criteria: Invitae Variant Classification Sherloc (09022015). Collection method: clinical testing. Allele origin: germline.
Comment: This sequence change replaces threonine, which is neutral and polar, with alanine, which is neutral and non-polar, at codon 144 of the EXT2 protein (p.Thr144Ala). This variant is present in population databases (rs751450613, gnomAD 0.006%). This variant has not been reported in the literature in individuals affected with EXT2-related conditions. Advanced modeling of protein sequence and biophysical properties (such as structural, functional, and spatial information, amino acid conservation, physicochemical variation, residue mobility, and thermodynamic stability) has been performed at Invitae for this missense variant, however the output from this modeling did not meet the statistical confidence thresholds required to predict the impact of this variant on EXT2 protein function. In summary, the available evidence is currently insufficient to determine the role of this variant in disease. Therefore, it has been classified as a Variant of Uncertain Significance.